The following is an entry in ClinVar:

ClinVar aggregate classification (germline): Pathogenic (1 of 4 stars; one submission).

Allele frequency attached by ClinVar (database versions not stated): gnomAD exomes below 0.00001; ExAC 0.00002.
gnomAD v4.1: 2 of 1,614,174 alleles (0.00012%); highest among the groups gnomAD compares: Admixed American, 0.0033%; no homozygotes.

Submission:

Labcorp Genetics (formerly Invitae), Labcorp
Classification: Pathogenic. Last evaluated: 2025-07-29. Review status: criteria provided, single submitter. Criteria: Invitae Variant Classification Sherloc (09022015). Collection method: clinical testing. Allele origin: germline.
Comment: This sequence change replaces arginine, which is basic and polar, with lysine, which is basic and polar, at codon 120 of the TYR protein (p.Arg120Lys). This variant is present in population databases (rs746912942, gnomAD 0.006%). This missense change has been observed in individual(s) with clinical features of oculocutaneous albinism (internal data). In at least one individual the data is consistent with being in trans (on the opposite chromosome) from a pathogenic variant. It has also been observed to segregate with disease in related individuals. ClinVar contains an entry for this variant (Variation ID: 2108001). Invitae Evidence Modeling of protein sequence and biophysical properties (such as structural, functional, and spatial information, amino acid conservation, physicochemical variation, residue mobility, and thermodynamic stability) indicates that this missense variant is expected to disrupt TYR protein function with a positive predictive value of 95%. For these reasons, this variant has been classified as Pathogenic.

NM_000372.5(TYR):c.359G>A (p.Arg120Lys)

Gene: TYR (tyrosinase; plus strand). Cytogenetic location: 11q14.3.
Variant type: single nucleotide variant.
Coding change: c.359G>A on transcript NM_000372.5 (MANE Select); coding-DNA position 359, G replaced by A.
Protein change: p.Arg120Lys; replaces arginine 120 with lysine.
Molecular consequence: missense variant.
Genome position (GRCh38, 1-based): chr11:89,178,312, G>A. VCF-style: chr11-89178312-G-A. GRCh37 (hg19) VCF-style: chr11-88911480-G-A.
Other names: short protein forms R120K.
Identifiers: ClinVar variation 2108001 (VCV002108001.4), dbSNP rs746912942, ClinGen allele CA6221094.